The following is an entry in ClinVar:

ClinVar aggregate classification (germline): Uncertain significance (1 of 4 stars; one submission).

Conditions:
Autosomal dominant limb-girdle muscular dystrophy type 1F (LGMDD2). Also called: Limb-girdle muscular dystrophy, type 1F; MUSCULAR DYSTROPHY, LIMB-GIRDLE, AUTOSOMAL DOMINANT 2. Identifiers: Orphanet 55595, MedGen C1842062, MONDO:0012034, OMIM 608423.

Submission:

Labcorp Genetics (formerly Invitae), Labcorp
Classification: Uncertain significance for Autosomal dominant limb-girdle muscular dystrophy type 1F. Last evaluated: 2025-09-15. Review status: criteria provided, single submitter. Criteria: Invitae Variant Classification Sherloc (09022015). Collection method: clinical testing. Allele origin: germline.
Comment: This sequence change replaces arginine, which is basic and polar, with proline, which is neutral and non-polar, at codon 653 of the TNPO3 protein (p.Arg653Pro). This variant is not present in population databases (gnomAD no frequency). This variant has not been reported in the literature in individuals affected with TNPO3-related conditions. Invitae Evidence Modeling of protein sequence and biophysical properties (such as structural, functional, and spatial information, amino acid conservation, physicochemical variation, residue mobility, and thermodynamic stability) indicates that this missense variant is not expected to disrupt TNPO3 protein function with a negative predictive value of 80%. In summary, the available evidence is currently insufficient to determine the role of this variant in disease. Therefore, it has been classified as a Variant of Uncertain Significance.

NM_012470.4(TNPO3):c.1958G>C (p.Arg653Pro)

Gene: TNPO3 (transportin 3; minus strand). Cytogenetic location: 7q32.1.
Variant type: single nucleotide variant.
Coding change: c.1958G>C on transcript NM_012470.4 (MANE Select); coding-DNA position 1958, G replaced by C.
Protein change: p.Arg653Pro; replaces arginine 653 with proline.
Molecular consequence: missense variant. On other transcripts: non-coding transcript variant (14), intron variant (1).
Genome position (GRCh38, 1-based): chr7:128,979,086, C>G on the plus strand (G>C on the coding strand, the complement: TNPO3 is on the minus strand). VCF-style: chr7-128979086-C-G. GRCh37 (hg19) VCF-style: chr7-128619140-C-G.
Other names: c.1766G>C, p.Arg589Pro (NM_001191028.3, NM_001382223.1); c.2060G>C, p.Arg687Pro (NM_001382216.1); c.2039G>C, p.Arg680Pro (NM_001382217.1); c.1958G>C, p.Arg653Pro (NM_001382218.1); c.1850G>C, p.Arg617Pro (NM_001382219.1); c.1814G>C, p.Arg605Pro (NM_001382221.1); c.1811G>C, p.Arg604Pro (NM_001382222.1); c.1920+885G>C (NM_001382220.1); short protein forms R605P, R617P, R687P, R589P, R680P, R604P, R653P.
Identifiers: ClinVar variation 4775480 (VCV004775480.1).